The following is an entry in ClinVar:

NM_014252.4(SLC25A15):c.494_495insGGTTCTA (p.Pro166fs)

Gene: SLC25A15 (solute carrier family 25 member 15; plus strand). Cytogenetic location: 13q14.11.
Variant type: Insertion.
Coding change: c.494_495insGGTTCTA on transcript NM_014252.4 (MANE Select); coding-DNA positions 494 to 495, GGTTCTA inserted.
Protein change: p.Pro166fs; shifts the reading frame from proline 166.
Molecular consequence: frameshift variant.
Genome position: GRCh38 VCF-style: chr13-40807335-G-GGGTTCTA. GRCh37 (hg19) VCF-style: chr13-41381471-G-GGGTTCTA.
Other names: short protein forms P166fs.
Identifiers: ClinVar variation 1075563 (VCV001075563.7), dbSNP rs2138056681, ClinGen allele CA2499222411.

ClinVar aggregate classification (germline): Pathogenic (1 of 4 stars; one submission).

Conditions:
Hyperornithinemia-hyperammonemia-homocitrullinuria syndrome (HHHS). Also called: HHH SYNDROME; Ornithine translocase deficiency. Identifiers: Orphanet 415, MedGen C0268540, MONDO:0009393, OMIM 238970.

Submission:

Labcorp Genetics (formerly Invitae), Labcorp
Classification: Pathogenic for Hyperornithinemia-hyperammonemia-homocitrullinuria syndrome. Last evaluated: 2022-04-14. Review status: criteria provided, single submitter. Criteria: Invitae Variant Classification Sherloc (09022015). Collection method: clinical testing. Allele origin: germline.
Comment: For these reasons, this variant has been classified as Pathogenic. ClinVar contains an entry for this variant (Variation ID: 1075563). This variant has not been reported in the literature in individuals affected with SLC25A15-related conditions. This variant is not present in population databases (gnomAD no frequency). This sequence change creates a premature translational stop signal (p.Pro166Valfs*29) in the SLC25A15 gene. It is expected to result in an absent or disrupted protein product. Loss-of-function variants in SLC25A15 are known to be pathogenic (PMID: 11552031, 19242930).

Literature cited by the submitters: PubMed 11552031; PubMed 19242930.